The following is an entry in ClinVar:

ClinVar aggregate classification (germline): Uncertain significance (1 of 4 stars; one submission).

Conditions:
PLXNA3-related disorder. Also called: PLXNA3-related condition.

Submission:

PreventionGenetics, part of Exact Sciences
Classification: Uncertain significance for PLXNA3-related condition. Last evaluated: 2025-05-07. Review status: criteria provided, single submitter. Criteria: ACMG Guidelines, 2015. Collection method: clinical testing. Allele origin: germline.
Comment: The PLXNA3 c.527A>G variant is predicted to result in the amino acid substitution p.Glu176Gly. To our knowledge, this variant has not been reported in the literature or in a large population database (gnomAD), indicating this variant is rare. At this time, the clinical significance of this variant is uncertain due to the absence of conclusive functional and genetic evidence.

NM_017514.5(PLXNA3):c.527A>G (p.Glu176Gly)

Gene: PLXNA3 (plexin A3; plus strand). Cytogenetic location: Xq28.
Variant type: single nucleotide variant.
Coding change: c.527A>G on transcript NM_017514.5 (MANE Select); coding-DNA position 527, A replaced by G.
Protein change: p.Glu176Gly; replaces glutamic acid 176 with glycine.
Molecular consequence: missense variant.
Genome position (GRCh38, 1-based): chrX:154,460,710, A>G. VCF-style: chrX-154460710-A-G. GRCh37 (hg19) VCF-style: chrX-153689050-A-G.
Other names: short protein forms E176G.
Identifiers: ClinVar variation 4985676 (VCV004985676.1).